The following is an entry in ClinVar:

NM_001267550.2(TTN):c.104516G>A (p.Arg34839Gln)

Genes: TTN (titin; minus strand), TTN-AS1 (TTN antisense RNA 1; plus strand). Cytogenetic location: 2q31.2.
Variant type: single nucleotide variant.
Coding change: c.104516G>A on transcript NM_001267550.2 (MANE Select); coding-DNA position 104516, G replaced by A.
Protein change: p.Arg34839Gln; replaces arginine 34839 with glutamine.
Molecular consequence: missense variant.
Genome position (GRCh38, 1-based): chr2:178,532,099, C>T on the plus strand (G>A on the coding strand, the complement: TTN is on the minus strand). VCF-style: chr2-178532099-C-T. GRCh37 (hg19) VCF-style: chr2-179396826-C-T.
Other names: c.99593G>A, p.Arg33198Gln (NM_001256850.1); c.77321G>A, p.Arg25774Gln (NM_003319.4); c.96812G>A, p.Arg32271Gln (NM_133378.4); c.77696G>A, p.Arg25899Gln (NM_133432.3); c.77897G>A, p.Arg25966Gln (NM_133437.4); c.104516G>A (NM_001267550.1); short protein forms R25899Q, R34839Q, R25774Q, R33198Q, R25966Q, R32271Q.
Identifiers: ClinVar variation 668514 (VCV000668514.5), dbSNP rs371628882, ClinGen allele CA1985413.

ClinVar aggregate classification (germline): Conflicting classifications of pathogenicity. Review status: criteria provided, conflicting classifications (1 of 4 stars). 4 submissions from 4 submitters: Uncertain significance (3); Likely benign (1). Last evaluated 2026-07-18.

Conditions:
Cardiovascular phenotype. Identifiers: MedGen CN230736.
TTN-related disorder. Also called: TTN-related disorders; TTN-related condition; TTN-related disease.

Allele frequency attached by ClinVar (database versions not stated): ESP Exome Variant Server 0.00016; TOPMed 0.00017; gnomAD 0.00020; 1000 Genomes Project 30x 0.00031; 1000 Genomes Project 0.00040; gnomAD exomes 0.00002 and 0.00004; ExAC 0.00004.
gnomAD v4.1: 65 of 1,613,940 alleles (0.004%); highest among the groups gnomAD compares: African/African-American, 0.047%; no homozygotes.

Submissions (4):

PreventionGenetics, part of Exact Sciences
Classification: Uncertain significance for TTN-related condition. Last evaluated: 2026-07-18. Review status: criteria provided, single submitter. Criteria: ACMG Guidelines, 2015. Collection method: clinical testing. Allele origin: germline.
Comment: The TTN c.104516G>A variant is predicted to result in the amino acid substitution p.Arg34839Gln. To our knowledge, this variant has not been reported in the literature in individuals with TTN-related disorders. This variant is reported in 0.041% of alleles in individuals of African descent in gnomAD. At this time, the clinical significance of this variant is uncertain due to the absence of conclusive functional and genetic evidence.

Athena Diagnostics
Classification: Uncertain significance. Last evaluated: 2023-08-10. Review status: criteria provided, single submitter. Criteria: Athena Diagnostics Criteria. Collection method: clinical testing. Allele origin: unknown.
Comment: Available data are insufficient to determine the clinical significance of the variant at this time. The frequency of this variant in the general population is higher than would generally be expected for pathogenic variants in this gene. Computational tools disagree on the variant's effect on normal protein function.

Ambry Genetics
Classification: Uncertain significance for Cardiovascular phenotype. Last evaluated: 2019-12-11. Review status: criteria provided, single submitter. Criteria: Ambry Variant Classification Scheme 2023. Collection method: clinical testing. Allele origin: germline.
Comment: The p.R25774Q variant (also known as c.77321G>A), located in coding exon 185 of the TTN gene, results from a G to A substitution at nucleotide position 77321. The arginine at codon 25774 is replaced by glutamine, an amino acid with highly similar properties. This amino acid position is highly conserved in available vertebrate species. In addition, the in silico prediction for this alteration is inconclusive. Since supporting evidence is limited at this time, the clinical significance of this alteration remains unclear.

GeneDx
Classification: Likely benign. Last evaluated: 2018-05-22. Review status: criteria provided, single submitter. Criteria: GeneDx Variant Classification (06012015). Collection method: clinical testing. Allele origin: germline. Affected: yes.
Comment: This variant is considered likely benign or benign based on one or more of the following criteria: it is a conservative change, it occurs at a poorly conserved position in the protein, it is predicted to be benign by multiple in silico algorithms, and/or has population frequency not consistent with disease.

Literature cited by the submitters: PubMed 31983221 (cited by Athena Diagnostics).